The following is an entry in ClinVar:

NM_022482.5(GZF1):c.1647_1648del (p.Cys549_Asp550delinsTer)

Gene: GZF1 (GDNF inducible zinc finger protein 1; plus strand). Cytogenetic location: 20p11.21.
Variant type: Microsatellite.
Coding change: c.1647_1648del on transcript NM_022482.5 (MANE Select); coding-DNA positions 1647 to 1648, 2 bases deleted (TG; older notation c.1647_1648delTG).
Protein change: p.Cys549_Asp550delinsTer.
Molecular consequence: nonsense.
Genome position (GRCh38, 1-based): chr20:23,369,603-23,369,604, TG deleted; deleting any 2 consecutive bases within chr20:23,369,601-23,369,604 gives the same sequence; the c. name uses the placement nearest the transcript's 3' end. VCF-style (leftmost placement, unchanged base first): chr20-23369600-CTG-C. GRCh37 (hg19) VCF-style: chr20-23350237-CTG-C.
Other names: c.1647_1648del, p.Cys549_Asp550delinsTer (NM_001317012.2, NM_001317019.1).
Identifiers: ClinVar variation 3775591 (VCV003775591.1).

ClinVar aggregate classification (germline): Likely pathogenic (1 of 4 stars; one submission).

Conditions:
Joint laxity, short stature, and myopia. Identifiers: Orphanet 527450, MedGen C4540020, MONDO:0060556, OMIM 617662.

Submission:

3billion
Classification: Likely pathogenic for Joint laxity, short stature, and myopia. Last evaluated: 2023-11-22. Review status: criteria provided, single submitter. Criteria: ACMG Guidelines, 2015. Collection method: clinical testing. Allele origin: germline. Affected: yes.
Comment: The variant is not observed in the gnomAD v2.1.1 dataset. Predicted Consequence/Location: Stop-gained (nonsense): predicted to result in a loss or disruption of normal protein function through nonsense-mediated decay (NMD) or protein truncation. Therefore, this variant is classified as Likely pathogenic according to the recommendation of ACMG/AMP guideline.